The following is an entry in ClinVar:

ClinVar aggregate classification (germline): Pathogenic (1 of 4 stars; one submission).

Submission:

Labcorp Genetics (formerly Invitae), Labcorp
Classification: Pathogenic. Last evaluated: 2022-11-30. Review status: criteria provided, single submitter. Criteria: Invitae Variant Classification Sherloc (09022015). Collection method: clinical testing. Allele origin: germline.
Comment: This sequence change creates a premature translational stop signal (p.Glu164*) in the LZTR1 gene. It is expected to result in an absent or disrupted protein product. Loss-of-function variants in LZTR1 are known to be pathogenic (PMID: 24362817, 25335493, 25480913, 25795793, 29469822, 30368668, 30442762, 30442766, 30481304, 30859559). This variant is not present in population databases (gnomAD no frequency). This variant has not been reported in the literature in individuals affected with LZTR1-related conditions. For these reasons, this variant has been classified as Pathogenic.

Literature cited by the submitters: PubMed 24362817; PubMed 25335493; PubMed 25480913; PubMed 25795793; PubMed 29469822; PubMed 30368668; PubMed 30442762; PubMed 30442766; PubMed 30481304; PubMed 30859559.

NM_006767.4(LZTR1):c.490G>T (p.Glu164Ter)

Gene: LZTR1 (leucine zipper like post translational regulator 1; plus strand). Cytogenetic location: 22q11.21.
Variant type: single nucleotide variant.
Coding change: c.490G>T on transcript NM_006767.4 (MANE Select); coding-DNA position 490, G replaced by T.
Protein change: p.Glu164Ter; replaces glutamic acid 164 with a stop codon.
Molecular consequence: nonsense.
Genome position (GRCh38, 1-based): chr22:20,988,099, G>T. VCF-style: chr22-20988099-G-T. GRCh37 (hg19) VCF-style: chr22-21342388-G-T.
Other names: short protein forms E164*.
Identifiers: ClinVar variation 2809748 (VCV002809748.3), dbSNP rs2518613373, ClinGen allele CA410779899.